The following is an entry in ClinVar:

NM_014363.6(SACS):c.12682G>C (p.Asp4228His)

Gene: SACS (sacsin molecular chaperone; minus strand). Cytogenetic location: 13q12.12.
Variant type: single nucleotide variant.
Coding change: c.12682G>C on transcript NM_014363.6 (MANE Select); coding-DNA position 12682, G replaced by C.
Protein change: p.Asp4228His; replaces aspartic acid 4228 with histidine.
Molecular consequence: missense variant.
Genome position (GRCh38, 1-based): chr13:23,331,194, C>G on the plus strand (G>C on the coding strand, the complement: SACS is on the minus strand). VCF-style: chr13-23331194-C-G. GRCh37 (hg19) VCF-style: chr13-23905333-C-G.
Other names: c.12241G>C, p.Asp4081His (NM_001278055.2); short protein forms D4228H, D4081H.
Identifiers: ClinVar variation 568311 (VCV000568311.8), dbSNP rs1447327391, ClinGen allele CA387507156.

ClinVar aggregate classification (germline): Uncertain significance (1 of 4 stars; one submission).

Conditions:
Spastic paraplegia. Identifiers: MedGen C0037772, HP:0001258.

Submission:

Labcorp Genetics (formerly Invitae), Labcorp
Classification: Uncertain significance for Spastic paraplegia. Last evaluated: 2018-05-18. Review status: criteria provided, single submitter. Criteria: Invitae Variant Classification Sherloc (09022015). Collection method: clinical testing. Allele origin: germline.
Comment: This sequence change replaces aspartic acid with histidine at codon 4228 of the SACS protein (p.Asp4228His). The aspartic acid residue is moderately conserved and there is a moderate physicochemical difference between aspartic acid and histidine. In summary, the available evidence is currently insufficient to determine the role of this variant in disease. Therefore, it has been classified as a Variant of Uncertain Significance. Algorithms developed to predict the effect of missense changes on protein structure and function are either unavailable or do not agree on the potential impact of this missense change (SIFT: "Deleterious"; PolyPhen-2: "Probably Damaging"; Align-GVGD: "Class C0"). This variant has not been reported in the literature in individuals with SACS-related disease. This variant is not present in population databases (ExAC no frequency).